The following is an entry in ClinVar:

ClinVar aggregate classification (germline): Uncertain significance (1 of 4 stars; one submission).

Conditions:
Familial thoracic aortic aneurysm and aortic dissection (TAAD). Also called: Thoracic aortic aneurysms and dissections. Identifiers: Orphanet 91387, MedGen C4707243, MONDO:0019625.

Allele frequency attached by ClinVar (database versions not stated): gnomAD exomes below 0.00001.
gnomAD v4.1: 3 of 1,613,986 alleles (0.00019%); highest among the groups gnomAD compares: Non-Finnish European, 0.00025%; no homozygotes.

Submission:

Ambry Genetics
Classification: Uncertain significance for Familial thoracic aortic aneurysm and aortic dissection. Last evaluated: 2022-07-29. Review status: criteria provided, single submitter. Criteria: Ambry Variant Classification Scheme 2023. Collection method: clinical testing. Allele origin: germline.
Comment: The p.T308A variant (also known as c.922A>G), located in coding exon 8 of the MYH11 gene, results from an A to G substitution at nucleotide position 922. The threonine at codon 308 is replaced by alanine, an amino acid with similar properties. This amino acid position is conserved. In addition, this alteration is predicted to be tolerated by in silico analysis. Since supporting evidence is limited at this time, the clinical significance of this alteration remains unclear.

NM_002474.3(MYH11):c.922A>G (p.Thr308Ala)

Gene: MYH11 (myosin heavy chain 11; minus strand). Cytogenetic location: 16p13.11.
Variant type: single nucleotide variant.
Coding change: c.922A>G on transcript NM_002474.3 (MANE Select); coding-DNA position 922, A replaced by G.
Protein change: p.Thr308Ala; replaces threonine 308 with alanine.
Molecular consequence: missense variant.
Genome position (GRCh38, 1-based): chr16:15,771,680, T>C on the plus strand (A>G on the coding strand, the complement: MYH11 is on the minus strand). VCF-style: chr16-15771680-T-C. GRCh37 (hg19) VCF-style: chr16-15865537-T-C.
Other names: c.943A>G, p.Thr315Ala (NM_001040113.2, NM_001040114.2); c.922A>G, p.Thr308Ala (NM_022844.3); short protein forms T308A, T315A.
Identifiers: ClinVar variation 1766253 (VCV001766253.2), dbSNP rs2151291404, ClinGen allele CA394868064.